The following is an entry in ClinVar:

NM_001347721.2(DYRK1A):c.2218C>T (p.Pro740Ser)

Gene: DYRK1A (dual specificity tyrosine phosphorylation regulated kinase 1A; plus strand). Cytogenetic location: 21q22.13.
Variant type: single nucleotide variant.
Coding change: c.2218C>T on transcript NM_001347721.2 (MANE Select); coding-DNA position 2218, C replaced by T.
Protein change: p.Pro740Ser; replaces proline 740 with serine.
Molecular consequence: missense variant. On other transcripts: 3 prime UTR variant (2).
Genome position (GRCh38, 1-based): chr21:37,512,484, C>T. VCF-style: chr21-37512484-C-T. GRCh37 (hg19) VCF-style: chr21-38884787-C-T.
Other names: c.2218C>T, p.Pro740Ser (NM_001347722.2, NM_130436.2); c.2131C>T, p.Pro711Ser (NM_001347723.2); c.2245C>T, p.Pro749Ser (NM_001396.5); c.*621C>T (NM_101395.2); c.*530C>T (NM_130438.2); short protein forms P711S, P740S, P749S.
Identifiers: ClinVar variation 1308770 (VCV001308770.2), dbSNP rs2148663381, ClinGen allele CA409941862.

ClinVar aggregate classification (germline): Uncertain significance (1 of 4 stars; one submission).

Submission:

GeneDx
Classification: Uncertain significance. Last evaluated: 2019-10-01. Review status: criteria provided, single submitter. Criteria: GeneDx Variant Classification Process June 2021. Collection method: clinical testing. Allele origin: germline. Affected: yes.
Comment: Not observed in large population cohorts (Lek et al., 2016); In silico analysis, which includes protein predictors and evolutionary conservation, supports that this variant does not alter protein structure/function; Has not been previously published as pathogenic or benign to our knowledge